The following is an entry in ClinVar:

NM_005406.3(ROCK1):c.1785T>G (p.Ser595=)

Gene: ROCK1 (Rho associated coiled-coil containing protein kinase 1; minus strand). Cytogenetic location: 18q11.1.
Variant type: single nucleotide variant.
Coding change: c.1785T>G on transcript NM_005406.3 (MANE Select); coding-DNA position 1785, T replaced by G.
Protein change: p.Ser595=; no amino-acid change (serine 595 retained).
Molecular consequence: synonymous variant.
Genome position (GRCh38, 1-based): chr18:21,006,451, A>C on the plus strand (T>G on the coding strand, the complement: ROCK1 is on the minus strand). VCF-style: chr18-21006451-A-C. GRCh37 (hg19) VCF-style: chr18-18586412-A-C.
Identifiers: ClinVar variation 711996 (VCV000711996.17), dbSNP rs112165707, ClinGen allele CA8905830.

ClinVar aggregate classification (germline): Benign/Likely benign. Review status: criteria provided, multiple submitters, no conflicts (2 of 4 stars). 3 submissions from 3 submitters: Benign (2); Likely benign (1). Last evaluated 2025-02-01.

Allele frequency attached by ClinVar (database versions not stated): 1000 Genomes Project 0.00140; 1000 Genomes Project 30x 0.00141; ESP Exome Variant Server 0.00185; TOPMed 0.00240; ExAC 0.00306; gnomAD 0.00358 and 0.00384; gnomAD exomes 0.00360 and 0.00407.
gnomAD v4.1: 6,500 of 1,613,752 alleles (0.4%); highest among the groups gnomAD compares: Non-Finnish European, 0.41%; 29 homozygotes.

Submissions (3):

CeGaT Center for Human Genetics Tuebingen
Classification: Likely benign. Last evaluated: 2025-02-01. Review status: criteria provided, single submitter. Criteria: CeGaT Center For Human Genetics Tuebingen Variant Classification Criteria Version 2. Collection method: clinical testing. Allele origin: germline. Affected: yes. Observed: 1 variant allele.
Comment: ROCK1: BP4, BP7

Labcorp Genetics (formerly Invitae), Labcorp
Classification: Benign. Last evaluated: 2018-08-16. Review status: criteria provided, single submitter. Criteria: Invitae Variant Classification Sherloc (09022015). Collection method: clinical testing. Allele origin: germline.

Breakthrough Genomics
Classification: Benign. Review status: criteria provided, single submitter. Criteria: ACMG Guidelines, 2015. Collection method: not provided. Allele origin: germline. Inheritance: Unknown mechanism. Affected: yes.